The following is an entry in ClinVar:

ClinVar aggregate classification (germline): Pathogenic (1 of 4 stars; one submission).

Conditions:
Glycine encephalopathy. Also called: Nonketotic hyperglycinemia; Non-ketotic hyperglycinemia. Identifiers: Orphanet 407, MedGen C0751748, MONDO:0011612, HP:0008288.

Submission:

Labcorp Genetics (formerly Invitae), Labcorp
Classification: Pathogenic for Glycine encephalopathy. Last evaluated: 2023-04-03. Review status: criteria provided, single submitter. Criteria: Invitae Variant Classification Sherloc (09022015). Collection method: clinical testing. Allele origin: unknown.
Comment: For these reasons, this variant has been classified as Pathogenic. A similar copy number variant has been observed in individual(s) with non-ketotic hyperglycinemia (PMID: 17361008). This variant is a gross deletion of the genomic region encompassing exon(s) 9 of the GLDC gene. This deletion is out-of-frame, and is expected to create a premature termination codon and result in an absent or disrupted protein product. Loss-of-function variants in GLDC are known to be pathogenic (PMID: 16601880).

Literature cited by the submitters: PubMed 17361008; PubMed 16601880.

NC_000009.11:g.(?_6594994)_(6595139_?)del

Gene: GLDC (glycine decarboxylase; minus strand). Cytogenetic location: 9p24.1.
Variant type: Deletion.
Identifiers: ClinVar variation 3245139 (VCV003245139.1).